The following is an entry in ClinVar:

ClinVar aggregate classification (germline): Uncertain significance. Review status: criteria provided, multiple submitters, no conflicts (2 of 4 stars). 2 submissions from 2 submitters: Uncertain significance (2). Last evaluated 2022-06-27.

Submissions (2):

Labcorp Genetics (formerly Invitae), Labcorp
Classification: Uncertain significance. Last evaluated: 2022-06-27. Review status: criteria provided, single submitter. Criteria: Invitae Variant Classification Sherloc (09022015). Collection method: clinical testing. Allele origin: germline.
Comment: This variant, c.1544_1546del, results in the deletion of 1 amino acid(s) of the MPDZ protein (p.Glu515del), but otherwise preserves the integrity of the reading frame. This variant is present in population databases (rs746069416, gnomAD 0.03%). This variant has not been reported in the literature in individuals affected with MPDZ-related conditions. ClinVar contains an entry for this variant (Variation ID: 1306296). Algorithms developed to predict the effect of sequence changes on RNA splicing suggest that this variant may disrupt the consensus splice site. In summary, the available evidence is currently insufficient to determine the role of this variant in disease. Therefore, it has been classified as a Variant of Uncertain Significance.

GeneDx
Classification: Uncertain significance. Last evaluated: 2019-06-16. Review status: criteria provided, single submitter. Criteria: GeneDx Variant Classification Process June 2021. Collection method: clinical testing. Allele origin: germline. Affected: yes.
Comment: In-frame deletion of 1amino acid in a non-repeat region; In silico analysis, which includes protein predictors and evolutionary conservation, supports that this variant does not alter protein structure/function; Has not been previously published as pathogenic or benign to our knowledge

NM_001378778.1(MPDZ):c.1538AAG[2] (p.Glu515del)

Gene: MPDZ (multiple PDZ domain crumbs cell polarity complex component; minus strand). Cytogenetic location: 9p23.
Variant type: Microsatellite.
Coding change: c.1538AAG[2] on transcript NM_001378778.1 (MANE Select); two copies in a row of the 3-base unit AAG starting at c.1538; the reference has three copies in a row; one copy, 3 bases deleted.
Protein change: p.Glu515del; deletes glutamic acid 515.
Molecular consequence: inframe deletion.
Genome position (GRCh38, 1-based): chr9:13,205,036-13,205,038, CTT deleted on the plus strand (AAG on the coding strand, the reverse complement: MPDZ is on the minus strand); deleting any 3 consecutive bases within chr9:13,205,036-13,205,045 gives the same sequence; the position shown is the placement nearest the transcript's 3' end. VCF-style (leftmost placement, unchanged base first): chr9-13205035-CCTT-C. GRCh37 (hg19) VCF-style: chr9-13205034-CCTT-C.
Other names: c.1538AAG[2], p.Glu515del (NM_001261406.2, NM_001261407.2, NM_001330637.2 and 14 more transcripts); short protein forms E515del.
Identifiers: ClinVar variation 1306296 (VCV001306296.3), dbSNP rs746069416, ClinGen allele CA4987756.